The following is an entry in ClinVar:

NM_004859.4(CLTC):c.3442G>A (p.Gly1148Arg)

Gene: CLTC (clathrin heavy chain; plus strand). Cytogenetic location: 17q23.1.
Variant type: single nucleotide variant.
Coding change: c.3442G>A on transcript NM_004859.4 (MANE Select); coding-DNA position 3442, G replaced by A.
Protein change: p.Gly1148Arg; replaces glycine 1148 with arginine.
Molecular consequence: missense variant.
Genome position (GRCh38, 1-based): chr17:59,681,839, G>A. VCF-style: chr17-59681839-G-A. GRCh37 (hg19) VCF-style: chr17-57759200-G-A.
Other names: c.3454G>A, p.Gly1152Arg (NM_001288653.2); short protein forms G1152R, G1148R.
Identifiers: ClinVar variation 1347276 (VCV001347276.6), dbSNP rs374051627, ClinGen allele CA8681579.
Genomic context (GRCh38, chr17:59,681,839, plus strand): 5'-TATATCAAAGCAGATGATCCTTCCTCCTACATGGAAGTTGTTCAGGCTGCCAATACTAGT[G>A]GTATGACTTCTTACCTTATGTATTGAAACCTCATAAAATGATTAAGCTAAGCATTAAGAT-3'
Protein context (NP_004850.1, residues 1138-1158): MEVVQAANTS[Gly1148Arg]NWEELVKYLQ

ClinVar aggregate classification (germline): Uncertain significance (1 of 4 stars; one submission).

Allele frequency attached by ClinVar (database versions not stated): ExAC 0.00003; gnomAD exomes 0.00004; gnomAD 0.00006; TOPMed 0.00008; ESP Exome Variant Server 0.00015.
gnomAD v4.1: 198 of 1,608,688 alleles (0.012%); highest among the groups gnomAD compares: Non-Finnish European, 0.016%; no homozygotes.

Submission:

Labcorp Genetics (formerly Invitae), Labcorp
Classification: Uncertain significance. Last evaluated: 2025-12-21. Review status: criteria provided, single submitter. Criteria: Invitae Variant Classification Sherloc (09022015). Collection method: clinical testing. Allele origin: germline.
Comment: This sequence change replaces glycine, which is neutral and non-polar, with arginine, which is basic and polar, at codon 1152 of the CLTC protein (p.Gly1152Arg). This variant also falls at the last nucleotide of exon 21, which is part of the consensus splice site for this exon. This variant is present in population databases (rs374051627, gnomAD 0.01%). This missense change has been observed in individual(s) with clinical features of CLTC-related conditions (internal data). ClinVar contains an entry for this variant (Variation ID: 1347276). Experimental studies and prediction algorithms are not available or were not evaluated, and the functional significance of this variant is currently unknown. Variants that disrupt the consensus splice site are a relatively common cause of aberrant splicing (PMID: 17576681, 9536098). Algorithms developed to predict the effect of sequence changes on RNA splicing suggest that this variant may disrupt the consensus splice site. In summary, the available evidence is currently insufficient to determine the role of this variant in disease. Therefore, it has been classified as a Variant of Uncertain Significance.

Literature cited by the submitters: PubMed 17576681; PubMed 9536098.